The following is an entry in ClinVar:

ClinVar aggregate classification (germline): Uncertain significance (1 of 4 stars; one submission).

Conditions:
Inborn genetic diseases. Identifiers: MedGen C0950123, MeSH D030342.

Allele frequency attached by ClinVar (database versions not stated): gnomAD exomes below 0.00001; ExAC 0.00001.
gnomAD v4.1: 1 of 1,614,176 alleles (0.000062%); highest among the groups gnomAD compares: South Asian, 0.0011%; no homozygotes.

Submission:

Ambry Genetics
Classification: Uncertain significance for Inborn genetic diseases. Last evaluated: 2023-03-27. Review status: criteria provided, single submitter. Criteria: Ambry Variant Classification Scheme 2023. Collection method: clinical testing. Allele origin: germline.
Comment: The c.2041C>G (p.Q681E) alteration is located in exon 16 (coding exon 15) of the SPTAN1 gene. This alteration results from a C to G substitution at nucleotide position 2041, causing the glutamine (Q) at amino acid position 681 to be replaced by a glutamic acid (E). Based on data from gnomAD, the G allele has an overall frequency of <0.001% (1/251116) total alleles studied. The highest observed frequency was 0.003% (1/30612) of South Asian alleles. This amino acid position is highly conserved in available vertebrate species. This alteration is predicted to be tolerated by in silico analysis. Based on insufficient or conflicting evidence, the clinical significance of this alteration remains unclear.

NM_001130438.3(SPTAN1):c.2041C>G (p.Gln681Glu)

Gene: SPTAN1 (spectrin alpha, non-erythrocytic 1; plus strand). Cytogenetic location: 9q34.11.
Variant type: single nucleotide variant.
Coding change: c.2041C>G on transcript NM_001130438.3 (MANE Select); coding-DNA position 2041, C replaced by G.
Protein change: p.Gln681Glu; replaces glutamine 681 with glutamic acid.
Molecular consequence: missense variant.
Genome position (GRCh38, 1-based): chr9:128,583,817, C>G. VCF-style: chr9-128583817-C-G. GRCh37 (hg19) VCF-style: chr9-131346096-C-G.
Other names: c.2041C>G, p.Gln681Glu (NM_001195532.2, NM_001363759.2, NM_001363765.2 and 5 more transcripts); c.2077C>G, p.Gln693Glu (NM_001375312.2, NM_001375318.1); short protein forms Q681E, Q693E.
Identifiers: ClinVar variation 2482474 (VCV002482474.3), dbSNP rs747183463, ClinGen allele CA5264564.